The following is an entry in ClinVar:

ClinVar aggregate classification (germline): Pathogenic (1 of 4 stars; one submission).

Submission:

Labcorp Genetics (formerly Invitae), Labcorp
Classification: Pathogenic. Last evaluated: 2024-09-28. Review status: criteria provided, single submitter. Criteria: Invitae Variant Classification Sherloc (09022015). Collection method: clinical testing. Allele origin: germline.
Comment: This sequence change creates a premature translational stop signal (p.Leu355Trpfs*2) in the SERPING1 gene. It is expected to result in an absent or disrupted protein product. Loss-of-function variants in SERPING1 are known to be pathogenic (PMID: 11112899, 24456027). This variant is not present in population databases (gnomAD no frequency). This variant has not been reported in the literature in individuals affected with SERPING1-related conditions. ClinVar contains an entry for this variant (Variation ID: 2030262). For these reasons, this variant has been classified as Pathogenic.

Literature cited by the submitters: PubMed 11112899; PubMed 24456027.

NM_000062.3(SERPING1):c.1064del (p.Leu355fs)

Gene: SERPING1 (serpin family G member 1; plus strand). Cytogenetic location: 11q12.1.
Variant type: Deletion.
Coding change: c.1064del on transcript NM_000062.3 (MANE Select); coding-DNA position 1064, one base deleted (T; older notation c.1064delT).
Protein change: p.Leu355fs; shifts the reading frame from leucine 355.
Molecular consequence: frameshift variant.
Genome position (GRCh38, 1-based): chr11:57,611,751, T deleted; the last of 3 consecutive T bases (chr11:57,611,749-57,611,751); deleting any one gives the same sequence. VCF-style (leftmost placement, unchanged base first): chr11-57611748-GT-G. GRCh37 (hg19) VCF-style: chr11-57379221-GT-G.
Other names: c.1064del, p.Leu355fs (NM_001032295.2); short protein forms L355fs.
Identifiers: ClinVar variation 2030262 (VCV002030262.4), dbSNP rs2495452211, ClinGen allele CA2580084317.